The following is an entry in ClinVar:

ClinVar aggregate classification (germline): Uncertain significance (1 of 4 stars; one submission).

Allele frequency attached by ClinVar (database versions not stated): ExAC 0.00001.

Submission:

Labcorp Genetics (formerly Invitae), Labcorp
Classification: Uncertain significance. Last evaluated: 2020-12-12. Review status: criteria provided, single submitter. Criteria: Invitae Variant Classification Sherloc (09022015). Collection method: clinical testing. Allele origin: germline.
Comment: In summary, the available evidence is currently insufficient to determine the role of this variant in disease. Therefore, it has been classified as a Variant of Uncertain Significance. Algorithms developed to predict the effect of sequence changes on RNA splicing suggest that this variant may disrupt the consensus splice site, but this prediction has not been confirmed by published transcriptional studies. This variant has not been reported in the literature in individuals with COL9A2-related conditions. The frequency data for this variant in the population databases is considered unreliable, as metrics indicate poor data quality at this position in the ExAC database. This sequence change affects an acceptor splice site in intron 8 of the COL9A2 gene. It is expected to disrupt RNA splicing. Variants that disrupt the donor or acceptor splice site typically lead to a loss of protein function (PMID: 16199547), however the current clinical and genetic evidence is not sufficient to establish whether loss-of-function variants in COL9A2 cause disease.

Literature cited by the submitters: PubMed 16199547.

NM_001852.4(COL9A2):c.418-2del

Gene: COL9A2 (collagen type IX alpha 2 chain; minus strand). Cytogenetic location: 1p34.2.
Variant type: Deletion.
Coding change: c.418-2del on transcript NM_001852.4 (MANE Select); the canonical splice acceptor site of the intron before coding-DNA position 418, one base deleted (A; older notation c.418-2delA).
Molecular consequence: splice acceptor variant.
Genome position (GRCh38, 1-based): chr1:40,311,717, T deleted on the plus strand (A on the coding strand, the reverse complement: COL9A2 is on the minus strand). VCF-style (leftmost placement, unchanged base first): chr1-40311716-CT-C. GRCh37 (hg19) VCF-style: chr1-40777388-CT-C.
Identifiers: ClinVar variation 1397013 (VCV001397013.8), dbSNP rs769657053, ClinGen allele CA791940.